The following is an entry in ClinVar:

NM_001252024.2(TRPM1):c.3346C>T (p.Arg1116Ter)

Genes: TRPM1 (transient receptor potential cation channel subfamily M member 1; minus strand), TRPM1-AS1 (TRPM1 antisense RNA 1; plus strand), LOC126862088 (BRD4-independent group 4 enhancer GRCh37_chr15:31318084-31319283; plus strand). Cytogenetic location: 15q13.3.
Variant type: single nucleotide variant.
Coding change: c.3346C>T on transcript NM_001252024.2 (MANE Select); coding-DNA position 3346, C replaced by T.
Protein change: p.Arg1116Ter; replaces arginine 1116 with a stop codon.
Molecular consequence: nonsense.
Genome position (GRCh38, 1-based): chr15:31,027,065, G>A on the plus strand (C>T on the coding strand, the complement: TRPM1 is on the minus strand). VCF-style: chr15-31027065-G-A. GRCh37 (hg19) VCF-style: chr15-31319268-G-A.
Other names: c.3397C>T, p.Arg1133Ter (NM_001252020.2); c.3280C>T, p.Arg1094Ter (NM_002420.6); short protein forms R1094*, R1133*, R1116*.
Identifiers: ClinVar variation 4750152 (VCV004750152.1).

ClinVar aggregate classification (germline): Pathogenic (1 of 4 stars; one submission).

gnomAD v4.1: 2 of 1,614,158 alleles (0.00012%); highest among the groups gnomAD compares: Admixed American, 0.0033%; no homozygotes.

Submission:

Labcorp Genetics (formerly Invitae), Labcorp
Classification: Pathogenic. Last evaluated: 2025-05-11. Review status: criteria provided, single submitter. Criteria: Invitae Variant Classification Sherloc (09022015). Collection method: clinical testing. Allele origin: germline.
Comment: This sequence change creates a premature translational stop signal (p.Arg1094*) in the TRPM1 gene. It is expected to result in an absent or disrupted protein product. Loss-of-function variants in TRPM1 are known to be pathogenic (PMID: 19896113, 19966281, 20300565). This variant is present in population databases (rs779371614, gnomAD 0.003%). This premature translational stop signal has been observed in individual(s) with TRPM1-related conditions (PMID: 31144483, 32233153). Algorithms developed to predict the effect of sequence changes on RNA splicing suggest that this variant may disrupt the consensus splice site. For these reasons, this variant has been classified as Pathogenic.

Literature cited by the submitters: PubMed 19896113; PubMed 19966281; PubMed 20300565; PubMed 31144483; PubMed 32233153.